The following is an entry in ClinVar:

ClinVar aggregate classification (germline): Uncertain significance (1 of 4 stars; one submission).

Conditions:
Hereditary cancer-predisposing syndrome. Also called: Neoplastic Syndromes, Hereditary; Hereditary Cancer Syndrome; Tumor predisposition; Hereditary neoplastic syndrome. Identifiers: Orphanet 140162, MedGen C0027672, MeSH D009386, MONDO:0015356.

Submission:

Ambry Genetics
Classification: Uncertain significance for Hereditary cancer-predisposing syndrome. Last evaluated: 2025-02-01. Review status: criteria provided, single submitter. Criteria: Ambry Variant Classification Scheme 2023. Collection method: clinical testing. Allele origin: germline.
Comment: The p.D340E variant (also known as c.1020T>G), located in coding exon 10 of the RB1 gene, results from a T to G substitution at nucleotide position 1020. The aspartic acid at codon 340 is replaced by glutamic acid, an amino acid with highly similar properties. This amino acid position is conserved. In addition, the in silico prediction for this alteration is inconclusive. Based on the available evidence, the clinical significance of this variant remains unclear.

NM_000321.3(RB1):c.1020T>G (p.Asp340Glu)

Gene: RB1 (RB transcriptional corepressor 1; plus strand). Cytogenetic location: 13q14.2.
Variant type: single nucleotide variant.
Coding change: c.1020T>G on transcript NM_000321.3 (MANE Select); coding-DNA position 1020, T replaced by G.
Protein change: p.Asp340Glu; replaces aspartic acid 340 with glutamic acid.
Molecular consequence: missense variant.
Genome position (GRCh38, 1-based): chr13:48,367,574, T>G. VCF-style: chr13-48367574-T-G. GRCh37 (hg19) VCF-style: chr13-48941710-T-G.
Other names: c.1020T>G, p.Asp340Glu (NM_001407165.1, NM_001407166.1); short protein forms D340E.
Identifiers: ClinVar variation 3787255 (VCV003787255.1).